The following is an entry in ClinVar:

ClinVar aggregate classification (germline): Uncertain significance. Review status: criteria provided, single submitter (1 of 4 stars). 2 submissions from 2 submitters: Uncertain significance (1). 1 of the submissions does not count toward it. Last evaluated 2021-12-06.

Conditions:
Adenylosuccinate lyase deficiency (ADSLD). Also called: ADSL DEFICIENCY. Identifiers: Orphanet 46, MedGen C0268126, MONDO:0007068, OMIM 103050.

Allele frequency attached by ClinVar (database versions not stated): ExAC 0.00002; gnomAD 0.00002; TOPMed 0.00003; 1000 Genomes Project 30x 0.00016; 1000 Genomes Project 0.00020.
gnomAD v4.1: 10 of 1,597,082 alleles (0.00063%); highest among the groups gnomAD compares: East Asian, 0.018%; no homozygotes.

Submissions (2):

Labcorp Genetics (formerly Invitae), Labcorp
Classification: Uncertain significance for Adenylosuccinate lyase deficiency. Last evaluated: 2021-12-06. Review status: criteria provided, single submitter. Criteria: Invitae Variant Classification Sherloc (09022015). Collection method: clinical testing. Allele origin: germline.
Comment: This variant occurs in a non-coding region of the ADSL gene. It does not change the encoded amino acid sequence of the ADSL protein. This variant is present in population databases (rs183190870, gnomAD 0.03%). This variant has not been reported in the literature in individuals affected with ADSL-related conditions. Algorithms developed to predict the effect of sequence changes on RNA splicing suggest that this variant may create or strengthen a splice site. In summary, the available evidence is currently insufficient to determine the role of this variant in disease. Therefore, it has been classified as a Variant of Uncertain Significance.

Developmental and Behavioral Pediatrics, First Affiliated Hospital of Jilin University
Classification: Likely pathogenic for Adenylosuccinate lyase deficiency. Review status: no assertion criteria provided. Collection method: clinical testing. Allele origin: maternal. Not counted in ClinVar's aggregate classification.

NM_000026.4(ADSL):c.-21T>A

Gene: ADSL (adenylosuccinate lyase; plus strand). Cytogenetic location: 22q13.1.
Variant type: single nucleotide variant.
Coding change: c.-21T>A on transcript NM_000026.4 (MANE Select); 21 bases upstream of the start codon, T replaced by A.
Molecular consequence: 5 prime UTR variant. On other transcripts: non-coding transcript variant (1).
Genome position (GRCh38, 1-based): chr22:40,346,538, T>A. VCF-style: chr22-40346538-T-A. GRCh37 (hg19) VCF-style: chr22-40742542-T-A.
Other names: c.-21T>A (NM_001123378.3, NM_001363840.3, NM_001410812.1 and 2 more transcripts); c.-158T>A (NM_001317923.2).
Identifiers: ClinVar variation 1975207 (VCV001975207.3), dbSNP rs183190870, ClinGen allele CA10247568.